The following is an entry in ClinVar:

NM_172351.3(CD46):c.554A>G (p.Asp185Gly)

Gene: CD46 (CD46 molecule; plus strand). Cytogenetic location: 1q32.2.
Variant type: single nucleotide variant.
Coding change: c.554A>G on transcript NM_172351.3 (MANE Select); coding-DNA position 554, A replaced by G.
Protein change: p.Asp185Gly; replaces aspartic acid 185 with glycine.
Molecular consequence: missense variant.
Genome position (GRCh38, 1-based): chr1:207,761,327, A>G. VCF-style: chr1-207761327-A-G. GRCh37 (hg19) VCF-style: chr1-207934672-A-G.
Other names: c.554A>G, p.Asp185Gly (NM_002389.4, NM_153826.4, NM_172350.3 and 8 more transcripts); short protein forms D185G.
Identifiers: ClinVar variation 1507325 (VCV001507325.9), dbSNP rs747504551, ClinGen allele CA1371674.

ClinVar aggregate classification (germline): Uncertain significance. Review status: criteria provided, multiple submitters, no conflicts (2 of 4 stars). 2 submissions from 2 submitters: Uncertain significance (2). Last evaluated 2024-12-10.

Conditions:
Atypical hemolytic-uremic syndrome with MCP/CD46 anomaly. Also called: HEMOLYTIC UREMIC SYNDROME, ATYPICAL, SUSCEPTIBILITY TO, 2; AHUS, SUSCEPTIBILITY TO, 2. Identifiers: Orphanet 2134, MedGen C2752040, MONDO:0013040, OMIM 612922.

Allele frequency attached by ClinVar (database versions not stated): gnomAD exomes below 0.00001 and 0.00001; ExAC 0.00002.
gnomAD v4.1: 4 of 1,612,866 alleles (0.00025%); highest among the groups gnomAD compares: Admixed American, 0.0017%; no homozygotes.

Submissions (2):

3billion
Classification: Uncertain significance for Atypical hemolytic-uremic syndrome with MCP/CD46 anomaly. Last evaluated: 2024-12-10. Review status: criteria provided, single submitter. Criteria: ACMG Guidelines, 2015. Collection method: clinical testing. Allele origin: germline. Affected: yes.
Comment: The variant is observed at an extremely low frequency in the gnomAD v4.1.0 dataset (total allele frequency: <0.001%). Predicted Consequence/Location: Missense variant. The majority of the known disease-causing variants of this gene are variants expected to result in premature termination of the protein. In silico tool predictions suggest damaging effect of the variant on gene or gene product [3Cnet: 0.95 (>=0.6, sensitivity 0.72 and precision 0.9)]. A different missense change at the same codon (p.Asp185Asn) has been reported to be associated with CD46-related disorder (PMID: 23431077). However the evidence of pathogenicity is insufficient at this time. Therefore, this variant is classified as VUS according to the recommendation of ACMG/AMP guideline.

Labcorp Genetics (formerly Invitae), Labcorp
Classification: Uncertain significance. Last evaluated: 2024-10-09. Review status: criteria provided, single submitter. Criteria: Invitae Variant Classification Sherloc (09022015). Collection method: clinical testing. Allele origin: germline.
Comment: This sequence change replaces aspartic acid, which is acidic and polar, with glycine, which is neutral and non-polar, at codon 185 of the CD46 protein (p.Asp185Gly). This variant is present in population databases (rs747504551, gnomAD 0.003%). This variant has not been reported in the literature in individuals affected with CD46-related conditions. ClinVar contains an entry for this variant (Variation ID: 1507325). Invitae Evidence Modeling of protein sequence and biophysical properties (such as structural, functional, and spatial information, amino acid conservation, physicochemical variation, residue mobility, and thermodynamic stability) indicates that this missense variant is not expected to disrupt CD46 protein function with a negative predictive value of 80%. In summary, the available evidence is currently insufficient to determine the role of this variant in disease. Therefore, it has been classified as a Variant of Uncertain Significance.

Literature cited by the submitters: PubMed 23431077 (cited by 3billion).